The following is an entry in ClinVar:

ClinVar aggregate classification (germline): Uncertain significance (1 of 4 stars; one submission).

Submission:

Labcorp Genetics (formerly Invitae), Labcorp
Classification: Uncertain significance. Last evaluated: 2025-07-30. Review status: criteria provided, single submitter. Criteria: Invitae Variant Classification Sherloc (09022015). Collection method: clinical testing. Allele origin: germline.
Comment: This sequence change replaces arginine, which is basic and polar, with glycine, which is neutral and non-polar, at codon 189 of the KRT71 protein (p.Arg189Gly). This variant is not present in population databases (gnomAD no frequency). This variant has not been reported in the literature in individuals affected with KRT71-related conditions. Invitae Evidence Modeling of protein sequence and biophysical properties (such as structural, functional, and spatial information, amino acid conservation, physicochemical variation, residue mobility, and thermodynamic stability) indicates that this missense variant is not expected to disrupt KRT71 protein function with a negative predictive value of 80%. In summary, the available evidence is currently insufficient to determine the role of this variant in disease. Therefore, it has been classified as a Variant of Uncertain Significance.

NM_033448.3(KRT71):c.565C>G (p.Arg189Gly)

Gene: KRT71 (keratin 71; minus strand). Cytogenetic location: 12q13.13.
Variant type: single nucleotide variant.
Coding change: c.565C>G on transcript NM_033448.3 (MANE Select); coding-DNA position 565, C replaced by G.
Protein change: p.Arg189Gly; replaces arginine 189 with glycine.
Molecular consequence: missense variant.
Genome position (GRCh38, 1-based): chr12:52,550,120, G>C on the plus strand (C>G on the coding strand, the complement: KRT71 is on the minus strand). VCF-style: chr12-52550120-G-C. GRCh37 (hg19) VCF-style: chr12-52943904-G-C.
Other names: short protein forms R189G.
Identifiers: ClinVar variation 4690720 (VCV004690720.1).
Genomic context (GRCh38, chr12:52,550,120, plus strand): 5'-CATTCCTCAGCTCCGAGTCCAGCCTCACCCTGTCCCCAGACAGCGTCTCCAGCTGCTTCC[G>C]CAGGTTGCTGATGTAGCCCTCGAGGATGGGCTCCAGGTTGTTCTTGCAGTTGTTCAGGTC-3'
Protein context (NP_258259.1, residues 179-199): PILEGYISNL[Arg189Gly]KQLETLSGDR